The following is an entry in ClinVar:

ClinVar aggregate classification (germline): Uncertain significance (1 of 4 stars; one submission).

Conditions:
Hereditary cancer-predisposing syndrome. Also called: Hereditary neoplastic syndrome; Neoplastic Syndromes, Hereditary; Tumor predisposition; Hereditary Cancer Syndrome. Identifiers: Orphanet 140162, MedGen C0027672, MeSH D009386, MONDO:0015356.

Submission:

Ambry Genetics
Classification: Uncertain significance for Hereditary cancer-predisposing syndrome. Last evaluated: 2025-02-20. Review status: criteria provided, single submitter. Criteria: Ambry Variant Classification Scheme 2023. Collection method: clinical testing. Allele origin: germline.
Comment: The p.I240T variant (also known as c.719T>C), located in coding exon 7 of the TSC2 gene, results from a T to C substitution at nucleotide position 719. The isoleucine at codon 240 is replaced by threonine, an amino acid with similar properties. This amino acid position is conserved. In addition, this alteration is predicted to be deleterious by in silico analysis. Based on the available evidence, the clinical significance of this variant remains unclear.

NM_000548.5(TSC2):c.719T>C (p.Ile240Thr)

Gene: TSC2 (TSC complex subunit 2; plus strand). Cytogenetic location: 16p13.3.
Variant type: single nucleotide variant.
Coding change: c.719T>C on transcript NM_000548.5 (MANE Select); coding-DNA position 719, T replaced by C.
Protein change: p.Ile240Thr; replaces isoleucine 240 with threonine.
Molecular consequence: missense variant. On other transcripts: 5 prime UTR variant (10), non-coding transcript variant (5).
Genome position (GRCh38, 1-based): chr16:2,056,714, T>C. VCF-style: chr16-2056714-T-C. GRCh37 (hg19) VCF-style: chr16-2106715-T-C.
Other names: c.719T>C, p.Ile240Thr (NM_001077183.3, NM_001114382.3, NM_001363528.2 and 6 more transcripts); c.608T>C, p.Ile203Thr (NM_001318827.2, NM_001406670.1, NM_001406678.1); c.572T>C, p.Ile191Thr (NM_001318829.2, NM_001406675.1, NM_001406676.1 and 1 more transcripts); c.119T>C, p.Ile40Thr (NM_001318831.2, NM_001406680.1, NM_001406682.1 and 6 more transcripts); c.752T>C, p.Ile251Thr (NM_001318832.2); c.809T>C, p.Ile270Thr (NM_001406667.1, NM_001406668.1); c.707T>C, p.Ile236Thr (NM_001406671.1, NM_001406673.1); c.662T>C, p.Ile221Thr (NM_001406677.1); and 4 more; short protein forms I240T, I251T, I270T, I191T, I40T, I86T, I203T, I221T.
Identifiers: ClinVar variation 3811363 (VCV003811363.1).